The following is an entry in ClinVar:

ClinVar aggregate classification (germline): Conflicting classifications of pathogenicity. Review status: criteria provided, conflicting classifications (1 of 4 stars). 4 submissions from 4 submitters: Likely pathogenic (1); Uncertain significance (3). Last evaluated 2024-06-19.

Conditions:
Epilepsy, familial focal, with variable foci 4 (FFEVF4). Identifiers: MedGen C4693694, MONDO:0054776, OMIM 617935.

Allele frequency attached by ClinVar (database versions not stated): gnomAD exomes below 0.00001 and 0.00002; ExAC 0.00001.
gnomAD v4.1: 32 of 1,614,174 alleles (0.002%); highest among the groups gnomAD compares: Middle Eastern, 0.016%; no homozygotes.

Submissions (4):

Revvity Omics, Revvity
Classification: Uncertain significance. Last evaluated: 2024-06-19. Review status: criteria provided, single submitter. Criteria: ACMG Guidelines, 2015. Collection method: clinical testing. Allele origin: germline.

Labcorp Genetics (formerly Invitae), Labcorp
Classification: Uncertain significance. Last evaluated: 2024-01-17. Review status: criteria provided, single submitter. Criteria: Invitae Variant Classification Sherloc (09022015). Collection method: clinical testing. Allele origin: germline.
Comment: This sequence change replaces isoleucine, which is neutral and non-polar, with threonine, which is neutral and polar, at codon 264 of the SCN3A protein (p.Ile264Thr). This variant is present in population databases (rs768747448, gnomAD 0.0009%). This variant has not been reported in the literature in individuals affected with SCN3A-related conditions. ClinVar contains an entry for this variant (Variation ID: 403870). Advanced modeling of protein sequence and biophysical properties (such as structural, functional, and spatial information, amino acid conservation, physicochemical variation, residue mobility, and thermodynamic stability) performed at Invitae indicates that this missense variant is not expected to disrupt SCN3A protein function with a negative predictive value of 80%. In summary, the available evidence is currently insufficient to determine the role of this variant in disease. Therefore, it has been classified as a Variant of Uncertain Significance.

CeGaT Center for Human Genetics Tuebingen
Classification: Uncertain significance. Last evaluated: 2021-03-01. Review status: criteria provided, single submitter. Criteria: CeGaT Center For Human Genetics Tuebingen Variant Classification Criteria Version 2. Collection method: clinical testing. Allele origin: germline. Affected: yes. Observed: 1 variant allele.

Juno Genomics, Hangzhou Juno Genomics, Inc
Classification: Likely pathogenic for Epilepsy, familial focal, with variable foci 4. Review status: criteria provided, single submitter. Criteria: ACMG Guidelines, 2015. Collection method: clinical testing. Allele origin: germline. Affected: yes.
Comment: Absent from controls (or at extremely low frequency if recessive) in Genome Aggregation Database, Exome Sequencing Project, 1000 Genomes Project, or Exome Aggregation Consortium.;Multiple lines of computational evidence support a deleterious effect on the gene or gene product (conservation, evolutionary, splicing impact, etc).;Missense variant in a gene that has a low rate of benign missense variation and where missense variants are a common mechanism of disease.;Patient's phenotype or family history is highly specific for a disease with a single genetic etiology.

NM_006922.4(SCN3A):c.791T>C (p.Ile264Thr)

Gene: SCN3A (sodium voltage-gated channel alpha subunit 3; minus strand). Cytogenetic location: 2q24.3.
Variant type: single nucleotide variant.
Coding change: c.791T>C on transcript NM_006922.4 (MANE Select); coding-DNA position 791, T replaced by C.
Protein change: p.Ile264Thr; replaces isoleucine 264 with threonine.
Molecular consequence: missense variant.
Genome position (GRCh38, 1-based): chr2:165,162,732, A>G on the plus strand (T>C on the coding strand, the complement: SCN3A is on the minus strand). VCF-style: chr2-165162732-A-G. GRCh37 (hg19) VCF-style: chr2-166019242-A-G.
Other names: c.791T>C, p.Ile264Thr (NM_001081676.2, NM_001081677.2); short protein forms I264T.
Identifiers: ClinVar variation 403870 (VCV000403870.45), dbSNP rs768747448, ClinGen allele CA1939331.